The following is an entry in ClinVar:

ClinVar aggregate classification (germline): Uncertain significance (1 of 4 stars; one submission).

Allele frequency attached by ClinVar (database versions not stated): TOPMed below 0.00001.

Submission:

GeneDx
Classification: Uncertain significance. Last evaluated: 2023-03-29. Review status: criteria provided, single submitter. Criteria: GeneDx Variant Classification Process June 2021. Collection method: clinical testing. Allele origin: germline. Affected: yes.
Comment: Not observed at significant frequency in large population cohorts (gnomAD); In silico analysis supports that this missense variant has a deleterious effect on protein structure/function; Has not been previously published as pathogenic or benign to our knowledge

NM_017646.6(TRIT1):c.200C>T (p.Thr67Ile)

Gene: TRIT1 (tRNA isopentenyltransferase 1; minus strand). Cytogenetic location: 1p34.2.
Variant type: single nucleotide variant.
Coding change: c.200C>T on transcript NM_017646.6 (MANE Select); coding-DNA position 200, C replaced by T.
Protein change: p.Thr67Ile; replaces threonine 67 with isoleucine.
Molecular consequence: missense variant. On other transcripts: intron variant (1).
Genome position (GRCh38, 1-based): chr1:39,857,392, G>A on the plus strand (C>T on the coding strand, the complement: TRIT1 is on the minus strand). VCF-style: chr1-39857392-G-A. GRCh37 (hg19) VCF-style: chr1-40323064-G-A.
Other names: c.175-4516C>T (NM_001312692.1); c.200C>T, p.Thr67Ile (NM_001312691.2); short protein forms T67I.
Identifiers: ClinVar variation 2581884 (VCV002581884.1), dbSNP rs1642963220, ClinGen allele CA339840170.